The following is an entry in ClinVar:

ClinVar aggregate classification (germline): Uncertain significance (1 of 4 stars; one submission).

Allele frequency attached by ClinVar (database versions not stated): gnomAD exomes below 0.00001.
gnomAD v4.1: 1 of 1,613,890 alleles (0.000062%); highest among the groups gnomAD compares: Non-Finnish European, 0.000085%; no homozygotes.

Submission:

Labcorp Genetics (formerly Invitae), Labcorp
Classification: Uncertain significance. Last evaluated: 2024-11-26. Review status: criteria provided, single submitter. Criteria: Invitae Variant Classification Sherloc (09022015). Collection method: clinical testing. Allele origin: germline.
Comment: This sequence change affects codon 515 of the CTNNA1 mRNA. It is a 'silent' change, meaning that it does not change the encoded amino acid sequence of the CTNNA1 protein. This variant is not present in population databases (gnomAD no frequency). This variant has not been reported in the literature in individuals affected with CTNNA1-related conditions. ClinVar contains an entry for this variant (Variation ID: 953732). Algorithms developed to predict the effect of sequence changes on RNA splicing suggest that this variant may disrupt the consensus splice site. In summary, the available evidence is currently insufficient to determine the role of this variant in disease. Therefore, it has been classified as a Variant of Uncertain Significance.

NM_001903.5(CTNNA1):c.1545A>G (p.Ser515=)

Gene: CTNNA1 (catenin alpha 1; plus strand). Cytogenetic location: 5q31.2.
Variant type: single nucleotide variant.
Coding change: c.1545A>G on transcript NM_001903.5 (MANE Select); coding-DNA position 1545, A replaced by G.
Protein change: p.Ser515=; no amino-acid change (serine 515 retained).
Molecular consequence: synonymous variant.
Genome position (GRCh38, 1-based): chr5:138,917,897, A>G. VCF-style: chr5-138917897-A-G. GRCh37 (hg19) VCF-style: chr5-138253586-A-G.
Other names: c.1545A>G, p.Ser515= (NM_001290307.3, NM_001323982.2, NM_001323983.1 and 2 more transcripts); c.1236A>G, p.Ser412= (NM_001290309.3); c.1176A>G, p.Ser392= (NM_001290310.3); c.435A>G, p.Ser145= (NM_001290312.1, NM_001323987.1, NM_001323988.1 and 17 more transcripts); c.1452A>G, p.Ser484= (NM_001323986.2); c.96A>G, p.Ser32= (NM_001324006.1, NM_001324007.1, NM_001324008.1 and 2 more transcripts); c.342A>G, p.Ser114= (NM_001324011.1); c.192A>G, p.Ser64= (NM_001324012.1, NM_001324013.1).
Identifiers: ClinVar variation 953732 (VCV000953732.9), dbSNP rs1762139313, ClinGen allele CA446596376.